The following is an entry in ClinVar:

ClinVar aggregate classification (germline): Uncertain significance (1 of 4 stars; one submission).

Submission:

GeneDx
Classification: Uncertain significance. Last evaluated: 2022-12-09. Review status: criteria provided, single submitter. Criteria: GeneDx Variant Classification Process June 2021. Collection method: clinical testing. Allele origin: germline. Affected: yes.
Comment: Not observed at significant frequency in large population cohorts (gnomAD); In silico analysis supports that this missense variant has a deleterious effect on protein structure/function; Has not been previously published as pathogenic or benign to our knowledge

NM_003079.5(SMARCE1):c.905A>G (p.Glu302Gly)

Gene: SMARCE1 (SWI/SNF related BAF chromatin remodeling complex subunit E1; minus strand). Cytogenetic location: 17q21.2.
Variant type: single nucleotide variant.
Coding change: c.905A>G on transcript NM_003079.5 (MANE Select); coding-DNA position 905, A replaced by G.
Protein change: p.Glu302Gly; replaces glutamic acid 302 with glycine.
Molecular consequence: missense variant.
Genome position (GRCh38, 1-based): chr17:40,630,836, T>C on the plus strand (A>G on the coding strand, the complement: SMARCE1 is on the minus strand). VCF-style: chr17-40630836-T-C. GRCh37 (hg19) VCF-style: chr17-38787088-T-C.
Other names: short protein forms E302G.
Identifiers: ClinVar variation 2505766 (VCV002505766.1), dbSNP rs2508596046, ClinGen allele CA399363708.